The following is an entry in ClinVar:

NM_032590.5(KDM2B):c.1872C>T (p.Cys624=)

Gene: KDM2B (lysine demethylase 2B; minus strand). Cytogenetic location: 12q24.31.
Variant type: single nucleotide variant.
Coding change: c.1872C>T on transcript NM_032590.5 (MANE Select); coding-DNA position 1872, C replaced by T.
Protein change: p.Cys624=; no amino-acid change (cysteine 624 retained).
Molecular consequence: synonymous variant.
Genome position (GRCh38, 1-based): chr12:121,453,207, G>A on the plus strand (C>T on the coding strand, the complement: KDM2B is on the minus strand). VCF-style: chr12-121453207-G-A. GRCh37 (hg19) VCF-style: chr12-121891010-G-A.
Other names: c.1779C>T, p.Cys593= (NM_001005366.2).
Identifiers: ClinVar variation 3055923 (VCV003055923.2), dbSNP rs199664991, ClinGen allele CA6836779.

ClinVar aggregate classification (germline): Likely benign (0 of 4 stars; one submission).

Conditions:
KDM2B-related disorder. Also called: KDM2B-related condition.

Allele frequency attached by ClinVar (database versions not stated): gnomAD exomes 0.00011; ExAC 0.00037; 1000 Genomes Project 0.00080; 1000 Genomes Project 30x 0.00094; ESP Exome Variant Server 0.00129; gnomAD 0.00135; TOPMed 0.00144.
gnomAD v4.1: 381 of 1,613,080 alleles (0.024%); highest among the groups gnomAD compares: African/African-American, 0.42%; no homozygotes.

Submission:

PreventionGenetics, part of Exact Sciences
Classification: Likely benign for KDM2B-related condition. Last evaluated: 2019-04-29. Review status: no assertion criteria provided. Collection method: clinical testing. Allele origin: germline.
Comment: This variant is classified as likely benign based on ACMG/AMP sequence variant interpretation guidelines (Richards et al. 2015 PMID: 25741868, with internal and published modifications).